The following is an entry in ClinVar:

NM_000719.7(CACNA1C):c.3941C>T (p.Ser1314Phe)

Gene: CACNA1C (calcium voltage-gated channel subunit alpha1 C; plus strand). Cytogenetic location: 12p13.33.
Variant type: single nucleotide variant.
Coding change: c.3941C>T on transcript NM_000719.7 (MANE Select); coding-DNA position 3941, C replaced by T.
Protein change: p.Ser1314Phe; replaces serine 1314 with phenylalanine.
Molecular consequence: missense variant. On other transcripts: intron variant (6).
Genome position (GRCh38, 1-based): chr12:2,648,503, C>T. VCF-style: chr12-2648503-C-T. GRCh37 (hg19) VCF-style: chr12-2757669-C-T.
Other names: c.3941C>T, p.Ser1314Phe (NM_001167623.2, NM_001167624.3, NM_001129842.2 and 8 more transcripts); c.4085C>T, p.Ser1362Phe (NM_199460.4, NM_001129827.2); c.3913-3137C>T (NM_001167625.2, NM_001129837.2, NM_001129838.2 and 1 more transcripts); c.3907-3137C>T (NM_001129839.2); c.3997-3137C>T (NM_001129836.2); c.3932C>T, p.Ser1311Phe (NM_001129844.2); c.4025C>T, p.Ser1342Phe (NM_001129831.2); c.4001C>T, p.Ser1334Phe (NM_001129832.2); short protein forms S1311F, S1314F, S1334F, S1342F, S1362F.
Identifiers: ClinVar variation 4851907 (VCV004851907.1).

ClinVar aggregate classification (germline): Uncertain significance (1 of 4 stars; one submission).

gnomAD v4.1: 1 of 1,613,884 alleles (0.000062%); highest among the groups gnomAD compares: Non-Finnish European, 0.000085%; no homozygotes.

Submission:

Dasa
Classification: Uncertain significance. Last evaluated: 2024-08-27. Review status: criteria provided, single submitter. Criteria: DASA Assertion Criteria. Collection method: clinical testing. Allele origin: germline.
Comment: NM_000719.7(CACNA1C):c.3941C>T (p.Ser1314Phe) is a missense variant that results in the substitution of serine with phenylalanine. Multiple computational predictions support a deleterious effect on the gene or gene product. The variant is present at low frequency in population datasets. Based on the available data, this variant is classified as variant of uncertain significance.